The following is an entry in ClinVar:

NM_201384.3(PLEC):c.12660C>G (p.Asp4220Glu)

Gene: PLEC (plectin; minus strand). Cytogenetic location: 8q24.3.
Variant type: single nucleotide variant.
Coding change: c.12660C>G on transcript NM_201384.3 (MANE Select); coding-DNA position 12660, C replaced by G.
Protein change: p.Asp4220Glu; replaces aspartic acid 4220 with glutamic acid.
Molecular consequence: missense variant.
Genome position (GRCh38, 1-based): chr8:143,917,161, G>C on the plus strand (C>G on the coding strand, the complement: PLEC is on the minus strand). VCF-style: chr8-143917161-G-C. GRCh37 (hg19) VCF-style: chr8-144991329-G-C.
Other names: c.12741C>G, p.Asp4247Glu (NM_000445.5); c.9360C>G, p.Asp3120Glu (NM_001410941.1); c.12618C>G, p.Asp4206Glu (NM_201378.4); c.12594C>G, p.Asp4198Glu (NM_201379.3); c.13071C>G, p.Asp4357Glu (NM_201380.4); c.12564C>G, p.Asp4188Glu (NM_201381.3); c.12660C>G, p.Asp4220Glu (NM_201382.4); c.12672C>G, p.Asp4224Glu (NM_201383.3); short protein forms D4198E, D4220E, D4206E, D4357E, D3120E, D4188E, D4224E, D4247E.
Identifiers: ClinVar variation 4788030 (VCV004788030.1).

ClinVar aggregate classification (germline): Uncertain significance (1 of 4 stars; one submission).

Conditions:
Epidermolysis bullosa simplex with nail dystrophy (EBS5D). Identifiers: MedGen C4225309, MONDO:0014661, OMIM 616487.
Epidermolysis bullosa simplex, Ogna type (EBS5A). Also called: EPIDERMOLYSIS BULLOSA SIMPLEX 5A, OGNA TYPE; Pidermolysis bullosa simplex 5A, Ogna type. Identifiers: Orphanet 79401, MedGen C0432317, MONDO:0007555, OMIM 131950.
Autosomal recessive limb-girdle muscular dystrophy type 2Q (LGMDR17). Also called: MUSCULAR DYSTROPHY, LIMB-GIRDLE, AUTOSOMAL RECESSIVE 17. Identifiers: Orphanet 254361, MedGen C3150989, MONDO:0013390, OMIM 613723.
Epidermolysis bullosa simplex 5B, with muscular dystrophy (EBS5B). Also called: EPIDERMOLYSIS BULLOSA SIMPLEX AND LIMB-GIRDLE MUSCULAR DYSTROPHY; Epidermolysis bullosa simplex with muscular dystrophy. Identifiers: Orphanet 257, MedGen C2931072, MONDO:0009181, OMIM 226670.
Epidermolysis bullosa simplex 5C, with pyloric atresia (EBS5C). Also called: PLEC-Related Epidermolysis Bullosa with Pyloric Atresia; Epidermolysis bullosa simplex with pyloric atresia; PLEC1-Related Epidermolysis Bullosa with Pyloric Atresia. Identifiers: Orphanet 158684, MedGen C2677349, MONDO:0012807, OMIM 612138.

gnomAD v4.1: 3 of 1,611,434 alleles (0.00019%); highest among the groups gnomAD compares: Non-Finnish European, 0.00017%; no homozygotes.

Submission:

Labcorp Genetics (formerly Invitae), Labcorp
Classification: Uncertain significance for Autosomal recessive limb-girdle muscular dystrophy type 2Q; Epidermolysis bullosa simplex, Ogna type; Epidermolysis bullosa simplex with nail dystrophy; Epidermolysis bullosa simplex 5C, with pyloric atresia; Epidermolysis bullosa simplex 5B, with muscular dystrophy. Last evaluated: 2025-07-14. Review status: criteria provided, single submitter. Criteria: Invitae Variant Classification Sherloc (09022015). Collection method: clinical testing. Allele origin: germline.
Comment: This sequence change replaces aspartic acid, which is acidic and polar, with glutamic acid, which is acidic and polar, at codon 4247 of the PLEC protein (p.Asp4247Glu). This variant is present in population databases (rs782262476, gnomAD 0.0009%). This variant has not been reported in the literature in individuals affected with PLEC-related conditions. Invitae Evidence Modeling of protein sequence and biophysical properties (such as structural, functional, and spatial information, amino acid conservation, physicochemical variation, residue mobility, and thermodynamic stability) indicates that this missense variant is not expected to disrupt PLEC protein function with a negative predictive value of 80%. In summary, the available evidence is currently insufficient to determine the role of this variant in disease. Therefore, it has been classified as a Variant of Uncertain Significance.